The following is an entry in ClinVar:

ClinVar aggregate classification (germline): Pathogenic (1 of 4 stars; one submission).

Conditions:
Hereditary breast ovarian cancer syndrome. Also called: Hereditary breast and ovarian cancer; Hereditary breast and/or ovarian cancer syndrome; Hereditary breast and ovarian cancer syndrome; Hereditary breast and ovarian cancer syndrome (HBOC); Breast and ovarian cancer; BRCA1- and BRCA2-Associated Hereditary Breast and Ovarian Cancer. Identifiers: Orphanet 145, MedGen C0677776, MeSH D061325, MONDO:0003582. Disease mechanism: loss of function.

Submission:

Labcorp Genetics (formerly Invitae), Labcorp
Classification: Pathogenic for Hereditary breast ovarian cancer syndrome. Last evaluated: 2019-11-06. Review status: criteria provided, single submitter. Criteria: Invitae Variant Classification Sherloc (09022015). Collection method: clinical testing. Allele origin: germline.
Comment: Loss-of-function variants in BRCA2 are known to be pathogenic (PMID: 20104584). This sequence change creates a premature translational stop signal (p.Leu146Hisfs*3) in the BRCA2 gene. It is expected to result in an absent or disrupted protein product. This variant is not present in population databases (ExAC no frequency). This variant has not been reported in the literature in individuals with BRCA2-related conditions. For these reasons, this variant has been classified as Pathogenic.

Literature cited by the submitters: PubMed 20104584.

NM_000059.4(BRCA2):c.435_444del (p.Leu146fs)

Gene: BRCA2 (BRCA2 DNA repair associated; plus strand). Cytogenetic location: 13q13.1.
Variant type: Deletion.
Coding change: c.435_444del on transcript NM_000059.4 (MANE Select); coding-DNA positions 435 to 444, 10 bases deleted (TCTACAATGT; older notation c.435_444delTCTACAATGT).
Protein change: p.Leu146fs; shifts the reading frame from leucine 146.
Molecular consequence: frameshift variant.
Genome position (GRCh38, 1-based): chr13:32,326,110-32,326,119, TCTACAATGT deleted; deleting any 10 consecutive bases within chr13:32,326,107-32,326,119 gives the same sequence; the c. name uses the placement nearest the transcript's 3' end. VCF-style (leftmost placement, unchanged base first): chr13-32326106-TTGTTCTACAA-T. GRCh37 (hg19) VCF-style: chr13-32900243-TTGTTCTACAA-T.
Other names: short protein forms L146fs.
Identifiers: ClinVar variation 966989 (VCV000966989.8), dbSNP rs2072343411, ClinGen allele CA1139663059.